The following is an entry in ClinVar:

ClinVar aggregate classification (germline): Pathogenic. Review status: criteria provided, multiple submitters, no conflicts (2 of 4 stars). 2 submissions from 2 submitters: Pathogenic (2). Last evaluated 2022-11-01.

Submissions (2):

Labcorp Genetics (formerly Invitae), Labcorp
Classification: Pathogenic. Last evaluated: 2022-11-01. Review status: criteria provided, single submitter. Criteria: Invitae Variant Classification Sherloc (09022015). Collection method: clinical testing. Allele origin: germline.
Comment: For these reasons, this variant has been classified as Pathogenic. ClinVar contains an entry for this variant (Variation ID: 916436). This variant has been observed in individual(s) with autosomal dominant retinitis pigmentosa (PMID: 12714658). It has also been observed to segregate with disease in related individuals. This variant is not present in population databases (gnomAD no frequency). This variant, c.6974_6994del, results in the deletion of 7 amino acid(s) of the PRPF8 protein (p.Val2325_Glu2331del), but otherwise preserves the integrity of the reading frame.

CeGaT Center for Human Genetics Tuebingen
Classification: Pathogenic. Last evaluated: 2020-03-01. Review status: criteria provided, single submitter. Criteria: CeGaT Center For Human Genetics Tuebingen Variant Classification Criteria Version 2. Collection method: clinical testing. Allele origin: germline. Affected: yes. Observed: 1 variant allele.

Literature cited by the submitters: PubMed 12714658 (cited by Labcorp Genetics (formerly Invitae), Labcorp).

NM_006445.4(PRPF8):c.6974_6994del (p.Val2325_Glu2331del)

Gene: PRPF8 (pre-mRNA processing factor 8; minus strand). Cytogenetic location: 17p13.3.
Variant type: Deletion.
Coding change: c.6974_6994del on transcript NM_006445.4 (MANE Select); coding-DNA positions 6974 to 6994, 21 bases deleted (TTTACTCTGCGGATCGGGAGG).
Protein change: p.Val2325_Glu2331del.
Molecular consequence: inframe deletion.
Genome position (GRCh38, 1-based): chr17:1,650,816-1,650,836, CCTCCCGATCCGCAGAGTAAA deleted on the plus strand (TTTACTCTGCGGATCGGGAGG on the coding strand, the reverse complement: PRPF8 is on the minus strand); deleting any 21 consecutive bases within chr17:1,650,816-1,650,842 gives the same sequence; the c. name uses the placement nearest the transcript's 3' end. VCF-style (leftmost placement, unchanged base first): chr17-1650815-TCCTCCCGATCCGCAGAGTAAA-T. GRCh37 (hg19) VCF-style: chr17-1554109-TCCTCCCGATCCGCAGAGTAAA-T.
Identifiers: ClinVar variation 916436 (VCV000916436.47), dbSNP rs1910994325, ClinGen allele CA1139665056.